The following is an entry in ClinVar:

NM_000554.6(CRX):c.166G>A (p.Ala56Thr)

Gene: CRX (cone-rod homeobox; plus strand). Cytogenetic location: 19q13.33.
Variant type: single nucleotide variant.
Coding change: c.166G>A on transcript NM_000554.6 (MANE Select); coding-DNA position 166, G replaced by A.
Protein change: p.Ala56Thr; replaces alanine 56 with threonine.
Molecular consequence: missense variant.
Genome position (GRCh38, 1-based): chr19:47,836,308, G>A. VCF-style: chr19-47836308-G-A. GRCh37 (hg19) VCF-style: chr19-48339565-G-A.
Other names: p.(Ala56Thr); c.166G>A (NM_000554.5); short protein forms A56T.
Identifiers: ClinVar variation 99596 (VCV000099596.10), dbSNP rs61748437, ClinGen allele CA227612.

ClinVar aggregate classification (germline): Conflicting classifications of pathogenicity. Review status: criteria provided, conflicting classifications (1 of 4 stars). 5 submissions from 5 submitters: Likely pathogenic (1); Uncertain significance (3). 1 of the submissions does not count toward it. Last evaluated 2026-05-23.

Conditions:
CRX-related disorder. Also called: CRX-related condition.
Leber congenital amaurosis 7 (LCA7). Identifiers: Orphanet 65, MedGen C3151192, MONDO:0013449, OMIM 613829.
Cone-rod dystrophy 2 (CORD2). Also called: CONE-ROD RETINAL DYSTROPHY; Cone-rod retinal dystrophy 2. Identifiers: Orphanet 1872, MedGen C3489532, MONDO:0007362, OMIM 120970.

Allele frequency attached by ClinVar (database versions not stated): gnomAD 0.00002; gnomAD exomes 0.00002; ExAC 0.00003; TOPMed 0.00007.
gnomAD v4.1: 26 of 1,614,074 alleles (0.0016%); highest among the groups gnomAD compares: Middle Eastern, 0.049%; 1 homozygote.

Submissions (5):

Ophthalmic Genetics Group, Institute of Molecular and Clinical Ophthalmology Basel
Classification: Uncertain significance for Cone-rod dystrophy 2; Leber congenital amaurosis 7. Last evaluated: 2026-05-23. Review status: criteria provided, single submitter. Criteria: ACMG Guidelines, 2015. Collection method: curation. Allele origin: germline. Inheritance: Autosomal dominant inheritance. Affected: yes.
Comment: CRX NM_000554.6:c.166G>A, p.Ala56Thr, is a missense variant in the CRX homeodomain. Although it has been reported in a small number of individuals with retinal dystrophy phenotypes, the available case evidence is limited, phenotypically heterogeneous, and lacks convincing segregation or enrichment evidence (PMID: 10766140, 35260635, 41841063). The variant is present in population databases, including gnomAD with 25 individuals, including one homozygous individual, and was observed in 36 individuals in the All of Us cohort. This frequency is difficult to reconcile with a highly penetrant autosomal dominant CRX retinal dystrophy allele. Functional studies of CRX p.Ala56Thr did not demonstrate impaired transcriptional activation or DNA binding (PMID: 11971869). Computational evidence is mixed, with AlphaMissense and MutScore supporting a benign effect, while REVEL and CADD are elevated; therefore, no computational ACMG criterion was applied. Overall, the available evidence is insufficient to establish pathogenicity. Although the population frequency and functional data argue against a deleterious effect, the variant is classified as a variant of uncertain significance under our current framework, using BS1 and BS3_supporting.

Labcorp Genetics (formerly Invitae), Labcorp
Classification: Likely pathogenic for Cone-rod dystrophy 2; Leber congenital amaurosis 7. Last evaluated: 2025-08-29. Review status: criteria provided, single submitter. Criteria: Invitae Variant Classification Sherloc (09022015). Collection method: clinical testing. Allele origin: germline.
Comment: This sequence change replaces alanine, which is neutral and non-polar, with threonine, which is neutral and polar, at codon 56 of the CRX protein (p.Ala56Thr). This variant is present in population databases (rs61748437, gnomAD 0.004%). This missense change has been observed in individuals with autosomal dominant Leber congenital amaurosis (PMID: 10766140, 35260635; internal data). ClinVar contains an entry for this variant (Variation ID: 99596). Invitae Evidence Modeling of protein sequence and biophysical properties (such as structural, functional, and spatial information, amino acid conservation, physicochemical variation, residue mobility, and thermodynamic stability) indicates that this missense variant is not expected to disrupt CRX protein function with a negative predictive value of 95%. Experimental studies are conflicting or provide insufficient evidence to determine the effect of this variant on CRX function (PMID: 11971869). In summary, the currently available evidence indicates that the variant is pathogenic, but additional data are needed to prove that conclusively. Therefore, this variant has been classified as Likely Pathogenic.

PreventionGenetics, part of Exact Sciences
Classification: Uncertain significance for CRX-related condition. Last evaluated: 2025-04-26. Review status: criteria provided, single submitter. Criteria: ACMG Guidelines, 2015. Collection method: clinical testing. Allele origin: germline.
Comment: The CRX c.166G>A variant is predicted to result in the amino acid substitution p.Ala56Thr. This variant has been reported in the heterozygous state in an individual with Leber congenital amaurosis (Lotery et al. 2000. PubMed ID: 10766140), and in a patient with cone dystrophy (Table S3, Falsini et al. 2022. PubMed ID: 35260635). This variant is reported in 0.0035% of alleles in individuals of European (Non-Finnish) descent in gnomAD. Although we suspect that this variant may be pathogenic, at this time, the clinical significance of this variant is uncertain due to the absence of conclusive functional and genetic evidence.

Blueprint Genetics
Classification: Uncertain significance. Last evaluated: 2024-07-08. Review status: criteria provided, single submitter. Criteria: ACMG Guidelines, 2015. Collection method: clinical testing. Allele origin: germline.

Retina International
No classification provided. Review status: no classification provided. Collection method: not provided. Allele origin: not provided. Not counted in ClinVar's aggregate classification.

Literature cited by the submitters: PubMed 10766140 (cited by Ophthalmic Genetics Group, Institute of Molecular and Clinical Ophthalmology Basel and Labcorp Genetics (formerly Invitae), Labcorp); PubMed 35260635 (cited by Ophthalmic Genetics Group, Institute of Molecular and Clinical Ophthalmology Basel and Labcorp Genetics (formerly Invitae), Labcorp); PubMed 41841063 (cited by Ophthalmic Genetics Group, Institute of Molecular and Clinical Ophthalmology Basel); PubMed 11971869 (cited by Ophthalmic Genetics Group, Institute of Molecular and Clinical Ophthalmology Basel and Labcorp Genetics (formerly Invitae), Labcorp).